The following is an entry in ClinVar:

NM_032999.4(GTF2I):c.1356T>C (p.Ala452=)

Genes: GTF2I (general transcription factor IIi; plus strand), LOC106029312 (Williams-Beuren syndrome medial block B recombination region; plus strand). Cytogenetic location: 7q11.23.
Variant type: single nucleotide variant.
Coding change: c.1356T>C on transcript NM_032999.4 (MANE Select); coding-DNA position 1356, T replaced by C.
Protein change: p.Ala452=; no amino-acid change (alanine 452 retained).
Molecular consequence: synonymous variant.
Genome position (GRCh38, 1-based): chr7:74,733,974, T>C. VCF-style: chr7-74733974-T-C. GRCh37 (hg19) VCF-style: chr7-74148316-T-C.
Other names: c.1290T>C, p.Ala430= (NM_001163636.3); c.1233T>C, p.Ala411= (NM_001518.5); c.1296T>C, p.Ala432= (NM_033000.4); c.1293T>C, p.Ala431= (NM_033001.4).
Identifiers: ClinVar variation 4534248 (VCV004534248.6).
Genomic context (GRCh38, chr7:74,733,974, plus strand): 5'-ACCTTTCAGACATGAGCTTCTGAATTCAACACGTGAAGATTTACAGCTTGATAAGCCAGC[T>C]TCAGGAGGTAGGTCTTCAATCTCGAGGCAGATCAGAAGATTATGTGCAATAATTATTTCA-3'
Protein context (NP_127492.1, residues 442-462): TREDLQLDKP[Ala452=]SGVKEEWYAR

ClinVar aggregate classification (germline): Likely benign (1 of 4 stars; one submission).

Submission:

CeGaT Center for Human Genetics Tuebingen
Classification: Likely benign. Last evaluated: 2025-11-01. Review status: criteria provided, single submitter. Criteria: CeGaT Center For Human Genetics Tuebingen Variant Classification Criteria Version 2. Collection method: clinical testing. Allele origin: germline. Affected: yes. Observed: 1 variant allele.
Comment: GTF2I: BP4, BP7